The following is an entry in ClinVar:

ClinVar aggregate classification (germline): Pathogenic. Review status: criteria provided, multiple submitters, no conflicts (2 of 4 stars). 2 submissions from 2 submitters: Pathogenic (2). Last evaluated 2024-01-18.

Conditions:
Hereditary cancer-predisposing syndrome. Also called: Hereditary Cancer Syndrome; Neoplastic Syndromes, Hereditary; Hereditary neoplastic syndrome; Tumor predisposition. Identifiers: Orphanet 140162, MedGen C0027672, MeSH D009386, MONDO:0015356.
Familial cancer of breast. Also called: Hereditary breast cancer; hereditary breast carcinoma; BREAST CANCER, FAMILIAL. Identifiers: Orphanet 227535, MedGen C0346153, MONDO:0016419, OMIM 114480. Disease mechanism: loss of function.

Submissions (2):

Myriad Genetics, Inc.
Classification: Pathogenic for Familial cancer of breast. Last evaluated: 2024-01-18. Review status: criteria provided, single submitter. Criteria: Myriad Autosomal Dominant, Autosomal Recessive and X-Linked Classification Criteria (2023). Collection method: clinical testing. Allele origin: unknown.
Comment: This variant is considered pathogenic. This variant creates a frameshift predicted to result in premature protein truncation.

Ambry Genetics
Classification: Pathogenic for Hereditary cancer-predisposing syndrome. Last evaluated: 2016-06-23. Review status: criteria provided, single submitter. Criteria: Ambry Variant Classification Scheme 2023. Collection method: clinical testing. Allele origin: germline.
Comment: The c.3038dupA pathogenic mutation, located in coding exon 19 of the ATM gene, results from a duplication of A at nucleotide position 3038, causing a translational frameshift with a predicted alternate stop codon. This alteration is expected to result in loss of function by premature protein truncation or nonsense-mediated mRNA decay. As such, this alteration is interpreted as a disease-causing mutation.

NM_000051.4(ATM):c.3038dup (p.Asp1013fs)

Gene: ATM (ATM serine/threonine kinase; plus strand). Cytogenetic location: 11q22.3.
Variant type: Duplication.
Coding change: c.3038dup on transcript NM_000051.4 (MANE Select); coding-DNA position 3038, one base duplicated (A; older notation c.3038dupA).
Protein change: p.Asp1013fs; shifts the reading frame from aspartic acid 1013.
Molecular consequence: frameshift variant.
Genome position (GRCh38, 1-based): chr11:108,271,367, A duplicated. VCF-style (leftmost placement, unchanged base first): chr11-108271366-G-GA. GRCh37 (hg19) VCF-style: chr11-108142093-G-GA.
Other names: c.3038dup, p.Asp1013fs (NM_001351834.2); c.3038dupA (NM_000051.3); short protein forms D1013fs.
Identifiers: ClinVar variation 429083 (VCV000429083.5), dbSNP rs1131691163, ClinGen allele CA645369435.